The following is an entry in ClinVar:

NM_014000.3(VCL):c.2775_2780del (p.Gly926_Val927del)

Gene: VCL (vinculin; plus strand). Cytogenetic location: 10q22.2.
Variant type: Deletion.
Coding change: c.2775_2780del on transcript NM_014000.3 (MANE Select); coding-DNA positions 2775 to 2780, 6 bases deleted (AGGTGT; older notation c.2775_2780delAGGTGT).
Protein change: p.Gly926_Val927del.
Molecular consequence: inframe deletion. On other transcripts: intron variant (1).
Genome position (GRCh38, 1-based): chr10:74,111,938-74,111,943, AGGTGT deleted; deleting any 6 consecutive bases within chr10:74,111,937-74,111,943 gives the same sequence; the c. name uses the placement nearest the transcript's 3' end. VCF-style (leftmost placement, unchanged base first): chr10-74111936-ATAGGTG-A. GRCh37 (hg19) VCF-style: chr10-75871694-ATAGGTG-A.
Other names: c.2746-2246_2746-2241del (NM_003373.4); c.2775_2780delAGGTGT (NM_014000.2).
Identifiers: ClinVar variation 856379 (VCV000856379.18), dbSNP rs757018106, ClinGen allele CA5563306.

ClinVar aggregate classification (germline): Uncertain significance. Review status: criteria provided, multiple submitters, no conflicts (2 of 4 stars). 5 submissions from 5 submitters: Uncertain significance (5). Last evaluated 2025-12-19.

Conditions:
Dilated cardiomyopathy 1W (CMD1W). Identifiers: Orphanet 154, MedGen C1969639, MONDO:0012667, OMIM 611407.
Cardiovascular phenotype. Identifiers: MedGen CN230736.
Hypertrophic cardiomyopathy 15. Identifiers: MedGen C2750459, MONDO:0013200, OMIM 613255.

Submissions (5):

Labcorp Genetics (formerly Invitae), Labcorp
Classification: Uncertain significance for Dilated cardiomyopathy 1W. Last evaluated: 2025-12-19. Review status: criteria provided, single submitter. Criteria: Invitae Variant Classification Sherloc (09022015). Collection method: clinical testing. Allele origin: germline.
Comment: This variant, c.2775_2780del, results in the deletion of 2 amino acid(s) of the VCL protein (p.Gly926_Val927del), but otherwise preserves the integrity of the reading frame. This variant is present in population databases (rs757018106, gnomAD 0.005%). This variant has not been reported in the literature in individuals affected with VCL-related conditions. ClinVar contains an entry for this variant (Variation ID: 856379). Experimental studies and prediction algorithms are not available or were not evaluated, and the functional significance of this variant is currently unknown. In summary, the available evidence is currently insufficient to determine the role of this variant in disease. Therefore, it has been classified as a Variant of Uncertain Significance.

Fulgent Genetics
Classification: Uncertain significance for Dilated cardiomyopathy 1W; Hypertrophic cardiomyopathy 15. Last evaluated: 2021-09-24. Review status: criteria provided, single submitter. Criteria: ACMG Guidelines, 2015. Collection method: clinical testing. Allele origin: unknown.

Ambry Genetics
Classification: Uncertain significance for Cardiovascular phenotype. Last evaluated: 2020-10-06. Review status: criteria provided, single submitter. Criteria: Ambry Variant Classification Scheme 2023. Collection method: clinical testing. Allele origin: germline.
Comment: The c.2775_2780delAGGTGT variant (also known as p.G926_V927del) is located in coding exon 19 of the VCL gene. This variant results from an in-frame AGGTGT deletion at nucleotide positions 2775 to 2780. This results in the in-frame deletion of glycine and valine at codon 926. This amino acid region is not well conserved in available vertebrate species. In addition, this alteration is predicted to be neutral by in silico analysis (Choi Y et al. PLoS ONE. 2012; 7(10):e46688). Since supporting evidence is limited at this time, the clinical significance of this alteration remains unclear.

Laboratory for Molecular Medicine, Mass General Brigham Personalized Medicine
Classification: Uncertain significance. Last evaluated: 2019-09-13. Review status: criteria provided, single submitter. Criteria: LMM Criteria. Collection method: clinical testing. Allele origin: germline. Observed: 1 variant allele.
Comment: The p.Gly926_Val927del variant in VCL has not been previously reported in individuals with cardiomyopathy but has been identified in 6/282814 chromosomes by gnomAD. This variant is a deletion of 2 amino acids and is not predicted to alter the protein reading-frame. It is unclear if this deletion will impact the protein. In summary, the clinical significance of this variant is uncertain. ACMG/AMP Criteria applied: PM4_Supporting.

GeneDx
Classification: Uncertain significance. Last evaluated: 2019-08-08. Review status: criteria provided, single submitter. Criteria: GeneDx Variant Classification Process June 2021. Collection method: clinical testing. Allele origin: germline. Affected: yes.
Comment: Has not been previously published as pathogenic or benign to our knowledge. However, the missense variant V927G has been identified in the published literature (Miszalski-Jamka et al., 2017) in an individual with left ventricular hypertrabeculation who also had variants of interest in DMD and MYPN cardiomyopathy genes.; In-frame deletion of 2 amino acids in a non-repeat region; Not observed at a significant frequency in large population cohorts (Lek et al., 2016); In silico analysis, which includes protein predictors and evolutionary conservation, supports that this variant does not alter protein structure/function